The following is an entry in ClinVar:

NM_000215.4(JAK3):c.1187C>T (p.Pro396Leu)

Gene: JAK3 (Janus kinase 3; minus strand). Cytogenetic location: 19p13.11.
Variant type: single nucleotide variant.
Coding change: c.1187C>T on transcript NM_000215.4 (MANE Select); coding-DNA position 1187, C replaced by T.
Protein change: p.Pro396Leu; replaces proline 396 with leucine.
Molecular consequence: missense variant.
Genome position (GRCh38, 1-based): chr19:17,840,297, G>A on the plus strand (C>T on the coding strand, the complement: JAK3 is on the minus strand). VCF-style: chr19-17840297-G-A. GRCh37 (hg19) VCF-style: chr19-17951106-G-A.
Other names: NM_000215.4(JAK3):c.1187C>T; p.Pro396Leu; short protein forms P396L.
Identifiers: ClinVar variation 134586 (VCV000134586.13), dbSNP rs149047410, ClinGen allele CA160267.

ClinVar aggregate classification (germline): Likely benign. Review status: reviewed by expert panel (3 of 4 stars). 4 submissions from 4 submitters: Likely benign (1). 3 of the submissions do not count toward it. Last evaluated 2026-08-03.

Conditions:
T-B+ severe combined immunodeficiency due to JAK3 deficiency. Also called: SCID, T CELL-NEGATIVE, B CELL-POSITIVE, NK CELL-NEGATIVE; SCID, autosomal recessive, T-negative/B-positive type. Identifiers: Orphanet 35078, MedGen C1833275, MONDO:0010938, OMIM 600802.

Allele frequency attached by ClinVar (database versions not stated): gnomAD 0.00002 and 0.00014; TOPMed 0.00004; ESP Exome Variant Server 0.00008; gnomAD exomes 0.00025 and 0.00053; ExAC 0.00057; 1000 Genomes Project 30x 0.00094; 1000 Genomes Project 0.00120.
gnomAD v4.1: 403 of 1,614,006 alleles (0.025%); highest among the groups gnomAD compares: South Asian, 0.39%; 1 homozygote.

Submissions (4):

ClinGen Severe Combined Immunodeficiency Variant Curation Expert Panel, ClinGen
Classification: Likely benign for T-B+ severe combined immunodeficiency due to JAK3 deficiency. Last evaluated: 2026-08-03. Review status: reviewed by expert panel. Criteria: ClinGen SCID ACMG Specifications JAK3 V2.3. Collection method: curation. Allele origin: germline. Inheritance: Autosomal recessive inheritance.
Comment: NM_000215.4(JAK3):c.1187C>T variant in JAK3 is a missense variant predicted to substitute Proline with Leucine at amino acid 396 (p.Pro396Leu). The gnomAD v4.1.1 grpmax filtering allele frequency for this variant is 0.003532, which exceeds the ClinGen SCID VCEP BS1 threshold (>0.001001); BS1 is therefore met. One homozygote has been observed in gnomAD v4.1.1, meeting BS2_Supporting.This variant has not been reported in individuals affected with JAK3-related conditions and no experimental evidence demonstrating its impact on protein function has been identified. In summary, this variant meets the criteria to be classified as Likely Benign for autosomal recessive severe combined immunodeficiency due to JAK3 deficiency based on the ACMG/AMP criteria applied, as specified by the ClinGen SCID VCEP: BS1, BS2_Supporting (VCEP specifications version 2.3.0).

Labcorp Genetics (formerly Invitae), Labcorp
Classification: Benign for T-B+ severe combined immunodeficiency due to JAK3 deficiency. Last evaluated: 2026-01-30. Review status: criteria provided, single submitter. Criteria: Invitae Variant Classification Sherloc (09022015). Collection method: clinical testing. Allele origin: germline. Not counted in ClinVar's aggregate classification.

Blueprint Genetics
Classification: Likely benign. Last evaluated: 2024-10-23. Review status: criteria provided, single submitter. Criteria: ACMG Guidelines, 2015. Collection method: clinical testing. Allele origin: germline. Not counted in ClinVar's aggregate classification.

ITMI
No classification provided. Condition: AllHighlyPenetrant. Last evaluated: 2013-09-19. Review status: no classification provided. Collection method: reference population. Allele origin: germline. Not counted in ClinVar's aggregate classification.
Comment: Please see associated publication for description of ethnicities

Literature cited by the submitters: PubMed 24728327 (cited by ITMI).